The following is an entry in ClinVar:

NM_004369.4(COL6A3):c.4900+3A>G

Gene: COL6A3 (collagen type VI alpha 3 chain; minus strand). Cytogenetic location: 2q37.3.
Variant type: single nucleotide variant.
Coding change: c.4900+3A>G on transcript NM_004369.4 (MANE Select); 3 bases into the intron after coding-DNA position 4900, A replaced by G.
Molecular consequence: intron variant.
Genome position (GRCh38, 1-based): chr2:237,368,560, T>C on the plus strand (A>G on the coding strand, the complement: COL6A3 is on the minus strand). VCF-style: chr2-237368560-T-C. GRCh37 (hg19) VCF-style: chr2-238277203-T-C.
Other names: c.3079+3A>G (NM_057166.5); c.4282+3A>G (NM_057167.4).
Identifiers: ClinVar variation 1025927 (VCV001025927.7), dbSNP rs894493736, ClinGen allele CA67815896.

ClinVar aggregate classification (germline): Uncertain significance (1 of 4 stars; one submission).

Conditions:
Bethlem myopathy 1A. Also called: Bethlem Muscular Dystrophy; MYOPATHY, BENIGN CONGENITAL, WITH CONTRACTURES; Bethlem myopathy 1. Identifiers: Orphanet 610, MedGen CN029274, MONDO:0024530, OMIM 158810.

Allele frequency attached by ClinVar (database versions not stated): gnomAD exomes below 0.00001; TOPMed below 0.00001.

Submission:

Labcorp Genetics (formerly Invitae), Labcorp
Classification: Uncertain significance for Bethlem myopathy 1A. Last evaluated: 2020-02-13. Review status: criteria provided, single submitter. Criteria: Invitae Variant Classification Sherloc (09022015). Collection method: clinical testing. Allele origin: germline.
Comment: This variant is not present in population databases (ExAC no frequency). This variant has not been reported in the literature in individuals with COL6A3-related conditions. Nucleotide substitutions within the consensus splice site are a relatively common cause of aberrant splicing (PMID: 17576681, 9536098). Algorithms developed to predict the effect of sequence changes on RNA splicing suggest that this variant may disrupt the consensus splice site, but this prediction has not been confirmed by published transcriptional studies. This sequence change falls in intron 10 of the COL6A3 gene. It does not directly change the encoded amino acid sequence of the COL6A3 protein, but it affects a nucleotide within the consensus splice site of the intron. In summary, the available evidence is currently insufficient to determine the role of this variant in disease. Therefore, it has been classified as a Variant of Uncertain Significance.

Literature cited by the submitters: PubMed 17576681; PubMed 9536098.